The following is an entry in ClinVar:

NM_002617.4(PEX10):c.77G>A (p.Arg26Gln)

Gene: PEX10 (peroxisomal biogenesis factor 10; minus strand). Cytogenetic location: 1p36.32.
Variant type: single nucleotide variant.
Coding change: c.77G>A on transcript NM_002617.4 (MANE Select); coding-DNA position 77, G replaced by A.
Protein change: p.Arg26Gln; replaces arginine 26 with glutamine.
Molecular consequence: missense variant. On other transcripts: intron variant (2).
Genome position (GRCh38, 1-based): chr1:2,412,426, C>T on the plus strand (G>A on the coding strand, the complement: PEX10 is on the minus strand). VCF-style: chr1-2412426-C-T. GRCh37 (hg19) VCF-style: chr1-2343865-C-T.
Other names: c.77G>A, p.Arg26Gln (NM_001374425.1, NM_153818.2); c.-321+1171G>A (NM_001374427.1, NM_001374426.1); short protein forms R26Q.
Identifiers: ClinVar variation 1947344 (VCV001947344.2), dbSNP rs2100441274, ClinGen allele CA337990489.

ClinVar aggregate classification (germline): Uncertain significance (1 of 4 stars; one submission).

Conditions:
Peroxisome biogenesis disorder, complementation group 7 (CG7). Also called: Peroxisome biogenesis disorder, complementation group B. Identifiers: MedGen C1864399.

gnomAD v4.1: 1 of 1,420,316 alleles (0.00007%); highest among the groups gnomAD compares: Non-Finnish European, 0.000092%; no homozygotes.

Submission:

Labcorp Genetics (formerly Invitae), Labcorp
Classification: Uncertain significance for Peroxisome biogenesis disorder, complementation group 7. Last evaluated: 2022-02-22. Review status: criteria provided, single submitter. Criteria: Invitae Variant Classification Sherloc (09022015). Collection method: clinical testing. Allele origin: germline.
Comment: This sequence change replaces arginine, which is basic and polar, with glutamine, which is neutral and polar, at codon 26 of the PEX10 protein (p.Arg26Gln). This variant is not present in population databases (gnomAD no frequency). This variant has not been reported in the literature in individuals affected with PEX10-related conditions. Algorithms developed to predict the effect of missense changes on protein structure and function are either unavailable or do not agree on the potential impact of this missense change (SIFT: "Tolerated"; PolyPhen-2: "Possibly Damaging"; Align-GVGD: "Class C0"). Algorithms developed to predict the effect of sequence changes on RNA splicing suggest that this variant may create or strengthen a splice site. In summary, the available evidence is currently insufficient to determine the role of this variant in disease. Therefore, it has been classified as a Variant of Uncertain Significance.